The following is an entry in ClinVar:

ClinVar aggregate classification (germline): Likely benign (1 of 4 stars; one submission).

Submission:

CeGaT Center for Human Genetics Tuebingen
Classification: Likely benign. Last evaluated: 2025-09-01. Review status: criteria provided, single submitter. Criteria: CeGaT Center For Human Genetics Tuebingen Variant Classification Criteria Version 2. Collection method: clinical testing. Allele origin: germline. Affected: yes. Observed: 1 variant allele.
Comment: SLITRK2: PM2:Supporting, BP4, BP7

NM_032539.5(SLITRK2):c.423C>G (p.Ala141=)

Gene: SLITRK2 (SLIT and NTRK like family member 2; plus strand). Cytogenetic location: Xq27.3.
Variant type: single nucleotide variant.
Coding change: c.423C>G on transcript NM_032539.5 (MANE Select); coding-DNA position 423, C replaced by G.
Protein change: p.Ala141=; no amino-acid change (alanine 141 retained).
Molecular consequence: synonymous variant.
Genome position (GRCh38, 1-based): chrX:145,822,848, C>G. VCF-style: chrX-145822848-C-G. GRCh37 (hg19) VCF-style: chrX-144904366-C-G.
Other names: c.423C>G, p.Ala141= (NM_001144003.3, NM_001144004.3, NM_001144005.3 and 4 more transcripts).
Identifiers: ClinVar variation 4281538 (VCV004281538.7).
Genomic context (GRCh38, chrX:145,822,848, plus strand): 5'-GCTTGAGATATTGAGGGAGGACACCTTCCTAGGCCTGGAGAGCCTGGAGTATCTCCAGGC[C>G]GACTACAATTACATCAGTGCCATCGAGGCTGGGGCATTCAGCAAACTTAACAAGCTCAAA-3'
Protein context (NP_115928.1, residues 131-151): LGLESLEYLQ[Ala141=]DYNYISAIEA